The following is an entry in ClinVar:

NM_001365276.2(TNXB):c.1358A>G (p.Asn453Ser)

Gene: TNXB (tenascin XB; minus strand). Cytogenetic location: 6p21.33.
Variant type: single nucleotide variant.
Coding change: c.1358A>G on transcript NM_001365276.2 (MANE Select); coding-DNA position 1358, A replaced by G.
Protein change: p.Asn453Ser; replaces asparagine 453 with serine.
Molecular consequence: missense variant.
Genome position (GRCh38, 1-based): chr6:32,096,495, T>C on the plus strand (A>G on the coding strand, the complement: TNXB is on the minus strand). VCF-style: chr6-32096495-T-C. GRCh37 (hg19) VCF-style: chr6-32064272-T-C.
Other names: c.1358A>G, p.Asn453Ser (NM_019105.8); short protein forms N453S.
Identifiers: ClinVar variation 1309042 (VCV001309042.5), dbSNP rs547835381, ClinGen allele CA3735693.
Genomic context (GRCh38, chr6:32,096,495, plus strand): 5'-CGGCCACGACAGTCCCCAGGACAGCTGCGCACACCGCAGTCCTCGCCGCTGTAGCCCGCA[T>C]TGCAAACACACACGCCGTTCTCGCAGCGCCCGCGACCTCTACAGTCGCGTGGGCAGGCGC-3'
Protein context (NP_001352205.1, residues 443-463): GRCENGVCVC[Asn453Ser]AGYSGEDCGV

ClinVar aggregate classification (germline): Uncertain significance. Review status: criteria provided, multiple submitters, no conflicts (2 of 4 stars). 2 submissions from 2 submitters: Uncertain significance (2). Last evaluated 2025-10-23.

Conditions:
Cardiovascular phenotype. Identifiers: MedGen CN230736.

Allele frequency attached by ClinVar (database versions not stated): gnomAD 0.00001; ExAC 0.00001; 1000 Genomes Project 30x 0.00016; TOPMed 0.00001; 1000 Genomes Project 0.00020; gnomAD exomes 0.00003.
gnomAD v4.1: 49 of 1,600,774 alleles (0.0031%); highest among the groups gnomAD compares: Non-Finnish European, 0.0039%; no homozygotes.

Submissions (2):

Ambry Genetics
Classification: Uncertain significance for Cardiovascular phenotype. Last evaluated: 2025-10-23. Review status: criteria provided, single submitter. Criteria: Ambry Variant Classification Scheme 2023. Collection method: clinical testing. Allele origin: germline.
Comment: The p.N453S variant (also known as c.1358A>G), located in coding exon 2 of the TNXB gene, results from an A to G substitution at nucleotide position 1358. The asparagine at codon 453 is replaced by serine, an amino acid with highly similar properties. This amino acid position is not well conserved in available vertebrate species, and serine is the reference amino acid in other vertebrate species. In addition, this alteration is predicted to be tolerated by in silico analysis. Since supporting evidence is limited at this time, the clinical significance of this alteration remains unclear.

GeneDx
Classification: Uncertain significance. Last evaluated: 2019-10-10. Review status: criteria provided, single submitter. Criteria: GeneDx Variant Classification Process June 2021. Collection method: clinical testing. Allele origin: germline. Affected: yes.
Comment: Has not been previously published as pathogenic or benign to our knowledge; Not observed at a significant frequency in large population cohorts (Lek et al., 2016); In silico analysis, which includes protein predictors and evolutionary conservation, supports a deleterious effect